The following is an entry in ClinVar:

NM_206933.4(USH2A):c.14309dup (p.Phe4771fs)

Gene: USH2A (usherin; minus strand). Cytogenetic location: 1q41.
Variant type: Duplication.
Coding change: c.14309dup on transcript NM_206933.4 (MANE Select); coding-DNA position 14309, one base duplicated (T; older notation c.14309dupT).
Protein change: p.Phe4771fs; shifts the reading frame from phenylalanine 4771.
Molecular consequence: frameshift variant.
Genome position (GRCh38, 1-based): chr1:215,650,626, A duplicated on the plus strand (T on the coding strand, the reverse complement: USH2A is on the minus strand). VCF-style (leftmost placement, unchanged base first): chr1-215650625-C-CA. GRCh37 (hg19) VCF-style: chr1-215823967-C-CA.
Other names: short protein forms F4771fs.
Identifiers: ClinVar variation 1459375 (VCV001459375.6), dbSNP rs2102644788, ClinGen allele CA2573131557.

ClinVar aggregate classification (germline): Pathogenic (1 of 4 stars; one submission).

Submission:

Labcorp Genetics (formerly Invitae), Labcorp
Classification: Pathogenic. Last evaluated: 2021-04-16. Review status: criteria provided, single submitter. Criteria: Invitae Variant Classification Sherloc (09022015). Collection method: clinical testing. Allele origin: germline.
Comment: This sequence change creates a premature translational stop signal (p.Phe4771Valfs*9) in the USH2A gene. It is expected to result in an absent or disrupted protein product. Loss-of-function variants in USH2A are known to be pathogenic (PMID: 10729113, 10909849, 20507924, 25649381). For these reasons, this variant has been classified as Pathogenic. This variant has not been reported in the literature in individuals with USH2A-related conditions. This variant is not present in population databases (ExAC no frequency).

Literature cited by the submitters: PubMed 10729113; PubMed 10909849; PubMed 20507924; PubMed 25649381.